The following is an entry in ClinVar:

NM_000168.6(GLI3):c.1909C>T (p.His637Tyr)

Gene: GLI3 (GLI family zinc finger 3; minus strand). Cytogenetic location: 7p14.1.
Variant type: single nucleotide variant.
Coding change: c.1909C>T on transcript NM_000168.6 (MANE Select); coding-DNA position 1909, C replaced by T.
Protein change: p.His637Tyr; replaces histidine 637 with tyrosine.
Molecular consequence: missense variant.
Genome position (GRCh38, 1-based): chr7:41,972,531, G>A on the plus strand (C>T on the coding strand, the complement: GLI3 is on the minus strand). VCF-style: chr7-41972531-G-A. GRCh37 (hg19) VCF-style: chr7-42012130-G-A.
Other names: c.1909C>T (NM_000168.5); short protein forms H637Y.
Identifiers: ClinVar variation 1579085 (VCV001579085.9), dbSNP rs371617666, ClinGen allele CA4230735.
Genomic context (GRCh38, chr7:41,972,531, plus strand): 5'-CGGAATCTCTCGGGGGTGGCGGCCGAGGATGGATGTCCCCTCGCTGCTTCTTGGTGACAT[G>A]AGCCTCTGGGCCATGCACTGTCTTCACATGTTTCCGGAGGGAGCTTGGGTCTGTGTAACG-3'
Protein context (NP_000159.3, residues 627-647): HVKTVHGPEA[His637Tyr]VTKKQRGDIH

ClinVar aggregate classification (germline): Conflicting classifications of pathogenicity. Review status: criteria provided, conflicting classifications (1 of 4 stars). 2 submissions from 2 submitters: Uncertain significance (1); Likely benign (1). Last evaluated 2026-01-14.

Conditions:
Inborn genetic diseases. Identifiers: MedGen C0950123, MeSH D030342.
Pallister-Hall syndrome (PHS). Also called: GLI3-Related Pallister-Hall Syndrome; HYPOTHALAMIC HAMARTOBLASTOMA, HYPOPITUITARISM, IMPERFORATE ANUS, AND POSTAXIAL POLYDACTYLY. Identifiers: Orphanet 672, MedGen C0265220, MONDO:0007804, OMIM 146510.
Greig cephalopolysyndactyly syndrome (GCPS). Also called: Greig syndrome; GLI3-Related Greig Cephalopolysyndactyly Syndrome; POLYSYNDACTYLY WITH PECULIAR SKULL SHAPE. Identifiers: Orphanet 380, MedGen C0265306, MONDO:0008287, OMIM 175700.

Allele frequency attached by ClinVar (database versions not stated): gnomAD 0.00003 and 0.00004; gnomAD exomes 0.00003 and 0.00005; ExAC 0.00004; TOPMed 0.00004; ESP Exome Variant Server 0.00008.
gnomAD v4.1: 78 of 1,612,868 alleles (0.0048%); highest among the groups gnomAD compares: Non-Finnish European, 0.0062%; no homozygotes.

Submissions (2):

Ambry Genetics
Classification: Uncertain significance for Inborn genetic diseases. Last evaluated: 2026-01-14. Review status: criteria provided, single submitter. Criteria: Ambry Variant Classification Scheme 2023. Collection method: clinical testing. Allele origin: germline.
Comment: The c.1909C>T (p.H637Y) alteration is located in exon 13 (coding exon 12) of the GLI3 gene. This alteration results from a C to T substitution at nucleotide position 1909, causing the histidine (H) at amino acid position 637 to be replaced by a tyrosine (Y). Based on data from gnomAD, the T allele has an overall frequency of 0.003% (8/282354) total alleles studied. The highest observed frequency was 0.007% (2/30616) of South Asian alleles. Based on insufficient or conflicting evidence, the clinical significance of this alteration remains unclear.

Labcorp Genetics (formerly Invitae), Labcorp
Classification: Likely benign for Pallister-Hall syndrome; Greig cephalopolysyndactyly syndrome. Last evaluated: 2024-10-30. Review status: criteria provided, single submitter. Criteria: Invitae Variant Classification Sherloc (09022015). Collection method: clinical testing. Allele origin: germline.